The following is an entry in ClinVar:

NM_003664.5(AP3B1):c.547G>C (p.Glu183Gln)

Gene: AP3B1 (adaptor related protein complex 3 subunit beta 1; minus strand). Cytogenetic location: 5q14.1.
Variant type: single nucleotide variant.
Coding change: c.547G>C on transcript NM_003664.5 (MANE Select); coding-DNA position 547, G replaced by C.
Protein change: p.Glu183Gln; replaces glutamic acid 183 with glutamine.
Molecular consequence: missense variant.
Genome position (GRCh38, 1-based): chr5:78,225,598, C>G on the plus strand (G>C on the coding strand, the complement: AP3B1 is on the minus strand). VCF-style: chr5-78225598-C-G. GRCh37 (hg19) VCF-style: chr5-77521422-C-G.
Other names: c.400G>C, p.Glu134Gln (NM_001271769.2); c.547G>C, p.Glu183Gln (NM_001410752.1); short protein forms E183Q, E134Q.
Identifiers: ClinVar variation 1926060 (VCV001926060.5), dbSNP rs2478709609, ClinGen allele CA360191259.

ClinVar aggregate classification (germline): Uncertain significance (1 of 4 stars; one submission).

Conditions:
Hermansky-Pudlak syndrome 2 (HPS2). Also called: Platelet defects and oculocutaneous albinism. Identifiers: Orphanet 183678, Orphanet 79430, MedGen C1842362, MONDO:0011997, OMIM 608233.

Allele frequency attached by ClinVar (database versions not stated): gnomAD exomes below 0.00001.
gnomAD v4.1: 3 of 1,578,134 alleles (0.00019%); highest among the groups gnomAD compares: Non-Finnish European, 0.00026%; no homozygotes.

Submission:

Labcorp Genetics (formerly Invitae), Labcorp
Classification: Uncertain significance for Hermansky-Pudlak syndrome 2. Last evaluated: 2022-02-18. Review status: criteria provided, single submitter. Criteria: Invitae Variant Classification Sherloc (09022015). Collection method: clinical testing. Allele origin: germline.
Comment: This variant is not present in population databases (gnomAD no frequency). This sequence change replaces glutamic acid, which is acidic and polar, with glutamine, which is neutral and polar, at codon 183 of the AP3B1 protein (p.Glu183Gln). This variant has not been reported in the literature in individuals affected with AP3B1-related conditions. Algorithms developed to predict the effect of missense changes on protein structure and function are either unavailable or do not agree on the potential impact of this missense change (SIFT: "Tolerated"; PolyPhen-2: "Possibly Damaging"; Align-GVGD: "Class C0"). In summary, the available evidence is currently insufficient to determine the role of this variant in disease. Therefore, it has been classified as a Variant of Uncertain Significance.